The following is an entry in ClinVar:

NM_000264.5(PTCH1):c.3835C>T (p.Pro1279Ser)

Gene: PTCH1 (patched 1; minus strand). Cytogenetic location: 9q22.32.
Variant type: single nucleotide variant.
Coding change: c.3835C>T on transcript NM_000264.5 (MANE Select); coding-DNA position 3835, C replaced by T.
Protein change: p.Pro1279Ser; replaces proline 1279 with serine.
Molecular consequence: missense variant. On other transcripts: non-coding transcript variant (1).
Genome position (GRCh38, 1-based): chr9:95,447,421, G>A on the plus strand (C>T on the coding strand, the complement: PTCH1 is on the minus strand). VCF-style: chr9-95447421-G-A. GRCh37 (hg19) VCF-style: chr9-98209703-G-A.
Other names: c.3637C>T, p.Pro1213Ser (NM_001083602.3); c.3832C>T, p.Pro1278Ser (NM_001083603.3); c.3382C>T, p.Pro1128Ser (NM_001083604.3, NM_001083605.3, NM_001083606.3 and 1 more transcripts); c.3679C>T, p.Pro1227Ser (NM_001354918.2); short protein forms P1128S, P1227S, P1278S, P1213S, P1279S.
Identifiers: ClinVar variation 648442 (VCV000648442.9), dbSNP rs1166276004, ClinGen allele CA374110823.

ClinVar aggregate classification (germline): Uncertain significance (1 of 4 stars; one submission).

Conditions:
Gorlin syndrome. Also called: Basal cell nevus syndrome; Nevoid Basal Cell Carcinoma Syndrome. Identifiers: Orphanet 377, MedGen C0004779, MONDO:0007187.

Allele frequency attached by ClinVar (database versions not stated): TOPMed below 0.00001.

Submission:

Labcorp Genetics (formerly Invitae), Labcorp
Classification: Uncertain significance for Gorlin syndrome. Last evaluated: 2020-12-10. Review status: criteria provided, single submitter. Criteria: Invitae Variant Classification Sherloc (09022015). Collection method: clinical testing. Allele origin: germline.
Comment: This sequence change replaces proline with serine at codon 1279 of the PTCH1 protein (p.Pro1279Ser). The proline residue is weakly conserved and there is a moderate physicochemical difference between proline and serine. In summary, the available evidence is currently insufficient to determine the role of this variant in disease. Therefore, it has been classified as a Variant of Uncertain Significance. Algorithms developed to predict the effect of missense changes on protein structure and function output the following: SIFT: "Tolerated"; PolyPhen-2: "Benign"; Align-GVGD: "Class C0". The serine amino acid residue is found in multiple mammalian species, suggesting that this missense change does not adversely affect protein function. These predictions have not been confirmed by published functional studies and their clinical significance is uncertain. This variant has not been reported in the literature in individuals with PTCH1-related conditions. This variant is not present in population databases (ExAC no frequency).